The following is an entry in ClinVar:

NM_032043.3(BRIP1):c.2354C>T (p.Pro785Leu)

Gene: BRIP1 (BRCA1 interacting DNA helicase 1; minus strand). Cytogenetic location: 17q23.2.
Variant type: single nucleotide variant.
Coding change: c.2354C>T on transcript NM_032043.3 (MANE Select); coding-DNA position 2354, C replaced by T.
Protein change: p.Pro785Leu; replaces proline 785 with leucine.
Molecular consequence: missense variant.
Genome position (GRCh38, 1-based): chr17:61,743,038, G>A on the plus strand (C>T on the coding strand, the complement: BRIP1 is on the minus strand). VCF-style: chr17-61743038-G-A. GRCh37 (hg19) VCF-style: chr17-59820399-G-A.
Other names: short protein forms P785L.
Identifiers: ClinVar variation 1366388 (VCV001366388.11), dbSNP rs2144675861, ClinGen allele CA400482571.

ClinVar aggregate classification (germline): Uncertain significance. Review status: criteria provided, multiple submitters, no conflicts (2 of 4 stars). 3 submissions from 3 submitters: Uncertain significance (3). Last evaluated 2024-02-10.

Conditions:
Familial cancer of breast. Also called: Hereditary breast cancer; BREAST CANCER, FAMILIAL; hereditary breast carcinoma. Identifiers: Orphanet 227535, MedGen C0346153, MONDO:0016419, OMIM 114480. Disease mechanism: loss of function.
Fanconi anemia complementation group J. Also called: BRIP1-Related Fanconi Anemia. Identifiers: Orphanet 84, MedGen C1836860, MONDO:0012187, OMIM 609054.

Submissions (3):

Labcorp Genetics (formerly Invitae), Labcorp
Classification: Uncertain significance for Familial cancer of breast; Fanconi anemia complementation group J. Last evaluated: 2024-02-10. Review status: criteria provided, single submitter. Criteria: Invitae Variant Classification Sherloc (09022015). Collection method: clinical testing. Allele origin: germline.
Comment: This sequence change replaces proline, which is neutral and non-polar, with leucine, which is neutral and non-polar, at codon 785 of the BRIP1 protein (p.Pro785Leu). This variant is not present in population databases (gnomAD no frequency). This variant has not been reported in the literature in individuals affected with BRIP1-related conditions. ClinVar contains an entry for this variant (Variation ID: 1366388). Advanced modeling of protein sequence and biophysical properties (such as structural, functional, and spatial information, amino acid conservation, physicochemical variation, residue mobility, and thermodynamic stability) performed at Invitae indicates that this missense variant is expected to disrupt BRIP1 protein function with a positive predictive value of 80%. In summary, the available evidence is currently insufficient to determine the role of this variant in disease. Therefore, it has been classified as a Variant of Uncertain Significance.

Baylor Genetics
Classification: Uncertain significance for Familial cancer of breast. Last evaluated: 2024-01-26. Review status: criteria provided, single submitter. Criteria: ACMG Guidelines, 2015. Collection method: clinical testing. Allele origin: unknown.

Women's Health and Genetics/Laboratory Corporation of America, LabCorp
Classification: Uncertain significance. Last evaluated: 2022-08-11. Review status: criteria provided, single submitter. Criteria: LabCorp Variant Classification Summary - May 2015. Collection method: clinical testing. Allele origin: germline.
Comment: Variant summary: BRIP1 c.2354C>T (p.Pro785Leu) results in a non-conservative amino acid change located in the ATP-dependent helicase, C-terminal domain (IPR006555) of the encoded protein sequence. Five of five in-silico tools predict a damaging effect of the variant on protein function. The variant was absent in 251336 control chromosomes (gnomAD). The available data on variant occurrences in the general population are insufficient to allow any conclusion about variant significance. To our knowledge, there have been no accounts of c.2354C>T causing disease in individuals affected with Breast Cancer. In a HEK293 cell-based assay characterizing inter-strand crosslinks sensativity, p.Pro785Leu was reported as a loss-of-function/hypomorphic variant (Calvo_2021). One ClinVar submitter has assessed the variant since 2014: the variant was classified as uncertain significance. Based on the evidence outlined above, the variant was classified as uncertain significance.

Literature cited by the submitters: PubMed 33619228 (cited by Women's Health and Genetics/Laboratory Corporation of America, LabCorp).